The following is an entry in ClinVar:

NM_002971.6(SATB1):c.430T>C (p.Tyr144His)

Gene: SATB1 (SATB homeobox 1; minus strand). Cytogenetic location: 3p24.3.
Variant type: single nucleotide variant.
Coding change: c.430T>C on transcript NM_002971.6 (MANE Select); coding-DNA position 430, T replaced by C.
Protein change: p.Tyr144His; replaces tyrosine 144 with histidine.
Molecular consequence: missense variant.
Genome position (GRCh38, 1-based): chr3:18,416,092, A>G on the plus strand (T>C on the coding strand, the complement: SATB1 is on the minus strand). VCF-style: chr3-18416092-A-G. GRCh37 (hg19) VCF-style: chr3-18457584-A-G.
Other names: c.430T>C, p.Tyr144His (NM_001131010.4, NM_001195470.3, NM_001322871.2 and 4 more transcripts); c.214T>C, p.Tyr72His (NM_001322876.2); short protein forms Y144H, Y72H.
Identifiers: ClinVar variation 2672934 (VCV002672934.23), dbSNP rs2470798691, ClinGen allele CA351861168.

ClinVar aggregate classification (germline): Uncertain significance (1 of 4 stars; one submission).

Submission:

CeGaT Center for Human Genetics Tuebingen
Classification: Uncertain significance. Last evaluated: 2023-11-01. Review status: criteria provided, single submitter. Criteria: CeGaT Center For Human Genetics Tuebingen Variant Classification Criteria Version 2. Collection method: clinical testing. Allele origin: germline. Affected: yes. Observed: 1 variant allele.
Comment: SATB1: PM2, PP3